The following is an entry in ClinVar:

ClinVar aggregate classification (germline): Pathogenic (1 of 4 stars; one submission).

Conditions:
Neurofibromatosis, type 1 (NF1). Also called: Neurofibromatosis, type I; VON RECKLINGHAUSEN DISEASE; Peripheral type neurofibromatosis; NEUROFIBROMATOSIS, TYPE I, SOMATIC. Identifiers: Orphanet 636, MedGen C0027831, MONDO:0018975, OMIM 162200. Disease mechanism: loss of function.

Submission:

Labcorp Genetics (formerly Invitae), Labcorp
Classification: Pathogenic for Neurofibromatosis, type 1. Last evaluated: 2024-04-29. Review status: criteria provided, single submitter. Criteria: Invitae Variant Classification Sherloc (09022015). Collection method: clinical testing. Allele origin: germline.
Comment: This sequence change creates a premature translational stop signal (p.Leu493Valfs*16) in the NF1 gene. It is expected to result in an absent or disrupted protein product. Loss-of-function variants in NF1 are known to be pathogenic (PMID: 10712197, 23913538). This variant is not present in population databases (gnomAD no frequency). This variant has not been reported in the literature in individuals affected with NF1-related conditions. ClinVar contains an entry for this variant (Variation ID: 857230). For these reasons, this variant has been classified as Pathogenic.

Literature cited by the submitters: PubMed 10712197; PubMed 23913538.

NM_001042492.3(NF1):c.1477_1481del (p.Leu493fs)

Gene: NF1 (neurofibromin 1; plus strand). Cytogenetic location: 17q11.2.
Variant type: Deletion.
Coding change: c.1477_1481del on transcript NM_001042492.3 (MANE Select); coding-DNA positions 1477 to 1481, 5 bases deleted (CTCTT; older notation c.1477_1481delCTCTT).
Protein change: p.Leu493fs; shifts the reading frame from leucine 493.
Molecular consequence: frameshift variant.
Genome position (GRCh38, 1-based): chr17:31,214,535-31,214,539, CTCTT deleted; deleting any 5 consecutive bases within chr17:31,214,531-31,214,539 gives the same sequence; the c. name uses the placement nearest the transcript's 3' end. VCF-style (leftmost placement, unchanged base first): chr17-31214530-ATCTTC-A. GRCh37 (hg19) VCF-style: chr17-29541548-ATCTTC-A.
Other names: c.1477_1481delCTCTT, p.Leu493Valfs (NM_000267.4); c.1477_1481del, p.Leu493fs (NM_001128147.3); short protein forms L493fs.
Identifiers: ClinVar variation 857230 (VCV000857230.6), dbSNP rs2066787009, ClinGen allele CA916080567.
Genomic context (GRCh38, chr17:31,214,530, plus strand): 5'-AAGTAACAAGCCTTAAATTTAAAGAAAAACCTACAGACCTGGAGACAAGAAGCTATAAGT[ATCTTC>A]TCTTGTCCATGGTGAAACTAATTCATGCAGATCCAAAGCTCTTGCTTTGTGTAAGTATTT-3'